The following is an entry in ClinVar:

ClinVar aggregate classification (germline): Uncertain significance (1 of 4 stars; one submission).

Allele frequency attached by ClinVar (database versions not stated): gnomAD exomes below 0.00001 and 0.00001; gnomAD 0.00001; ExAC 0.00002.
gnomAD v4.1: 3 of 1,612,282 alleles (0.00019%); highest among the groups gnomAD compares: South Asian, 0.0011%; no homozygotes.

Submission:

Laboratory for Molecular Medicine, Mass General Brigham Personalized Medicine
Classification: Uncertain significance. Last evaluated: 2014-04-18. Review status: criteria provided, single submitter. Criteria: LMM Criteria. Collection method: clinical testing. Allele origin: germline. Observed: 2 variant alleles.
Comment: The Asp17001Asn variant in TTN has not been previously reported in any other fam ilies with cardimyopathy and was absent from large population studies. Computati onal prediction tools and conservation analysis do not provide strong support fo r or against an impact to the protein. In summary, the clinical significance of the Asp17001Asn variant is uncertain.

NM_001267550.2(TTN):c.58705G>A (p.Asp19569Asn)

Genes: TTN-AS1 (TTN antisense RNA 1; plus strand), TTN (titin; minus strand). Cytogenetic location: 2q31.2.
Variant type: single nucleotide variant.
Coding change: c.58705G>A on transcript NM_001267550.2 (MANE Select); coding-DNA position 58705, G replaced by A.
Protein change: p.Asp19569Asn; replaces aspartic acid 19569 with asparagine.
Molecular consequence: missense variant.
Genome position (GRCh38, 1-based): chr2:178,593,595, C>T on the plus strand (G>A on the coding strand, the complement: TTN is on the minus strand). VCF-style: chr2-178593595-C-T. GRCh37 (hg19) VCF-style: chr2-179458322-C-T.
Other names: c.51001G>A, p.Asp17001Asn (NM_133378.4); c.53782G>A, p.Asp17928Asn (NM_001256850.1); c.31510G>A, p.Asp10504Asn (NM_003319.4); c.31885G>A, p.Asp10629Asn (NM_133432.3); c.32086G>A, p.Asp10696Asn (NM_133437.4); short protein forms D19569N, D17001N, D17928N, D10504N, D10629N, D10696N.
Identifiers: ClinVar variation 47139 (VCV000047139.5), dbSNP rs397517638, ClinGen allele CA140103.